The following is an entry in ClinVar:

NM_006767.4(LZTR1):c.578A>C (p.Tyr193Ser)

Gene: LZTR1 (leucine zipper like post translational regulator 1; plus strand). Cytogenetic location: 22q11.21.
Variant type: single nucleotide variant.
Coding change: c.578A>C on transcript NM_006767.4 (MANE Select); coding-DNA position 578, A replaced by C.
Protein change: p.Tyr193Ser; replaces tyrosine 193 with serine.
Molecular consequence: missense variant.
Genome position (GRCh38, 1-based): chr22:20,988,857, A>C. VCF-style: chr22-20988857-A-C. GRCh37 (hg19) VCF-style: chr22-21343146-A-C.
Other names: short protein forms Y193S.
Identifiers: ClinVar variation 3033089 (VCV003033089.3), dbSNP rs1870169267, ClinGen allele CA410780219.

ClinVar aggregate classification (germline): Uncertain significance. Review status: criteria provided, single submitter (1 of 4 stars). 2 submissions from 2 submitters: Uncertain significance (1). 1 of the submissions does not count toward it. Last evaluated 2021-04-16.

Conditions:
LZTR1-related disorder. Also called: LZTR1-related disorders; LZTR1-related condition.

Submissions (2):

Blueprint Genetics
Classification: Uncertain significance. Last evaluated: 2021-04-16. Review status: criteria provided, single submitter. Criteria: ACMG Guidelines, 2015. Collection method: clinical testing. Allele origin: germline.

PreventionGenetics, part of Exact Sciences
Classification: Likely pathogenic for LZTR1-related condition. Last evaluated: 2024-01-31. Review status: no assertion criteria provided. Collection method: clinical testing. Allele origin: germline. Not counted in ClinVar's aggregate classification.
Comment: The LZTR1 c.578A>C variant is predicted to result in the amino acid substitution p.Tyr193Ser. To our knowledge, this variant has not been reported in the literature or in a large population database, indicating this variant is rare. Alternative variants at this codon (p.Tyr193Asn and p.Tyr193His) have been reported in autosomal dominant Noonan syndrome (Figure 1, Motta et al. 2019. PubMed ID: 30481304). The p.Tyr193Ser variant is interpreted as likely pathogenic.